The following is an entry in ClinVar:

NM_015610.4(WIPI2):c.1083C>A (p.Pro361=)

Gene: WIPI2 (WD repeat domain, phosphoinositide interacting 2; plus strand). Cytogenetic location: 7p22.1.
Variant type: single nucleotide variant.
Coding change: c.1083C>A on transcript NM_015610.4 (MANE Select); coding-DNA position 1083, C replaced by A.
Protein change: p.Pro361=; no amino-acid change (proline 361 retained).
Molecular consequence: synonymous variant.
Genome position (GRCh38, 1-based): chr7:5,228,173, C>A. VCF-style: chr7-5228173-C-A. GRCh37 (hg19) VCF-style: chr7-5267804-C-A.
Other names: c.1083C>A, p.Pro361= (NM_001033518.2); c.1029C>A, p.Pro343= (NM_001033519.2, NM_016003.4); c.906C>A, p.Pro302= (NM_001033520.1); c.651C>A, p.Pro217= (NM_001278299.2).
Identifiers: ClinVar variation 3054261 (VCV003054261.2), dbSNP rs780256529, ClinGen allele CA4141960.
Genomic context (GRCh38, chr7:5,228,173, plus strand): 5'-GATCCCGCGGTTGTTGGTGGGTGCCGCCGACGGGTACCTGTACATGTACAACCTGGACCC[C>A]CAGGAGGGCGGCGAGTGTGCCCTGATGAAGCAGCACCGGTGAGTCTGCTCCGGCCGCTTC-3'
Protein context (NP_056425.1, residues 351-371): DGYLYMYNLD[Pro361=]QEGGECALMK

ClinVar aggregate classification (germline): Likely benign (0 of 4 stars; one submission).

Conditions:
WIPI2-related disorder. Also called: WIPI2-related condition.

Allele frequency attached by ClinVar (database versions not stated): gnomAD exomes below 0.00001; ExAC 0.00001; TOPMed 0.00001.
gnomAD v4.1: 1 of 1,613,694 alleles (0.000062%); highest among the groups gnomAD compares: Admixed American, 0.0017%; no homozygotes.

Submission:

PreventionGenetics, part of Exact Sciences
Classification: Likely benign for WIPI2-related condition. Last evaluated: 2020-04-01. Review status: no assertion criteria provided. Collection method: clinical testing. Allele origin: germline.
Comment: This variant is classified as likely benign based on ACMG/AMP sequence variant interpretation guidelines (Richards et al. 2015 PMID: 25741868, with internal and published modifications).